The following is an entry in ClinVar:

NM_017849.4(TMEM127):c.223G>A (p.Val75Met)

Gene: TMEM127 (transmembrane protein 127; minus strand). Cytogenetic location: 2q11.2.
Variant type: single nucleotide variant.
Coding change: c.223G>A on transcript NM_017849.4 (MANE Select); coding-DNA position 223, G replaced by A.
Protein change: p.Val75Met; replaces valine 75 with methionine.
Molecular consequence: missense variant.
Genome position (GRCh38, 1-based): chr2:96,265,159, C>T on the plus strand (G>A on the coding strand, the complement: TMEM127 is on the minus strand). VCF-style: chr2-96265159-C-T. GRCh37 (hg19) VCF-style: chr2-96930897-C-T.
Other names: c.223G>A, p.Val75Met (NM_001193304.3); short protein forms V75M.
Identifiers: ClinVar variation 1381067 (VCV001381067.10), dbSNP rs2104307262, ClinGen allele CA347655867.

ClinVar aggregate classification (germline): Uncertain significance. Review status: criteria provided, multiple submitters, no conflicts (2 of 4 stars). 2 submissions from 2 submitters: Uncertain significance (2). Last evaluated 2025-06-27.

Conditions:
Hereditary cancer-predisposing syndrome. Also called: Tumor predisposition; Hereditary Cancer Syndrome; Hereditary neoplastic syndrome; Neoplastic Syndromes, Hereditary. Identifiers: Orphanet 140162, MedGen C0027672, MeSH D009386, MONDO:0015356.
Hereditary pheochromocytoma and paraganglioma. Also called: Hereditary paragangliomas and pheochromocytomas; Hereditary Paraganglioma-Pheochromocytoma Syndromes; Hereditary pheochromocytoma-paraganglioma. Identifiers: Orphanet 29072, MedGen C4274332, MONDO:0017366.

Allele frequency attached by ClinVar (database versions not stated): gnomAD exomes below 0.00001.
gnomAD v4.1: 3 of 1,611,648 alleles (0.00019%); highest among the groups gnomAD compares: Non-Finnish European, 0.00025%; no homozygotes.

Submissions (2):

Labcorp Genetics (formerly Invitae), Labcorp
Classification: Uncertain significance for Hereditary pheochromocytoma and paraganglioma. Last evaluated: 2025-06-27. Review status: criteria provided, single submitter. Criteria: Invitae Variant Classification Sherloc (09022015). Collection method: clinical testing. Allele origin: germline.
Comment: This sequence change replaces valine, which is neutral and non-polar, with methionine, which is neutral and non-polar, at codon 75 of the TMEM127 protein (p.Val75Met). This variant is not present in population databases (gnomAD no frequency). This variant has not been reported in the literature in individuals affected with TMEM127-related conditions. ClinVar contains an entry for this variant (Variation ID: 1381067). An algorithm developed to predict the effect of missense changes on protein structure and function (PolyPhen-2) suggests that this variant is likely to be tolerated. In summary, the available evidence is currently insufficient to determine the role of this variant in disease. Therefore, it has been classified as a Variant of Uncertain Significance.

Ambry Genetics
Classification: Uncertain significance for Hereditary cancer-predisposing syndrome. Last evaluated: 2023-08-01. Review status: criteria provided, single submitter. Criteria: Ambry Variant Classification Scheme 2023. Collection method: clinical testing. Allele origin: germline.
Comment: The p.V75M variant (also known as c.223G>A), located in coding exon 1 of the TMEM127 gene, results from a G to A substitution at nucleotide position 223. The valine at codon 75 is replaced by methionine, an amino acid with highly similar properties. This amino acid position is well conserved in available vertebrate species. In addition, the in silico prediction for this alteration is inconclusive. Since supporting evidence is limited at this time, the clinical significance of this alteration remains unclear.